The following is an entry in ClinVar:

NM_000127.3(EXT1):c.1135G>A (p.Val379Ile)

Gene: EXT1 (exostosin glycosyltransferase 1; minus strand). Cytogenetic location: 8q24.11.
Variant type: single nucleotide variant.
Coding change: c.1135G>A on transcript NM_000127.3 (MANE Select); coding-DNA position 1135, G replaced by A.
Protein change: p.Val379Ile; replaces valine 379 with isoleucine.
Molecular consequence: missense variant.
Genome position (GRCh38, 1-based): chr8:117,835,473, C>T on the plus strand (G>A on the coding strand, the complement: EXT1 is on the minus strand). VCF-style: chr8-117835473-C-T. GRCh37 (hg19) VCF-style: chr8-118847712-C-T.
Other names: short protein forms V379I.
Identifiers: ClinVar variation 134199 (VCV000134199.8), dbSNP rs371233961, ClinGen allele CA159095.

ClinVar aggregate classification (germline): Conflicting classifications of pathogenicity. Review status: criteria provided, conflicting classifications (1 of 4 stars). 3 submissions from 3 submitters: Uncertain significance (1); Likely benign (1). 1 of the submissions does not count toward it. Last evaluated 2025-11-11.

Conditions:
Chondrosarcoma. Also called: Chondrosarcoma, somatic. Identifiers: Orphanet 55880, MedGen C0008479, MONDO:0008977, OMIM 215300, HP:0006765.
Multiple congenital exostosis (EXT). Also called: Multiple exostoses; MULTIPLE CARTILAGINOUS EXOSTOSES; Hereditary multiple exostoses; Hereditary multiple exostosis; Multiple osteochondromas; Hereditary multiple osteochondromas. Identifiers: Orphanet 321, MedGen C0015306, MONDO:0005508, HP:0002762.

Allele frequency attached by ClinVar (database versions not stated): gnomAD exomes 0.00002; gnomAD 0.00003; TOPMed 0.00003; ESP Exome Variant Server 0.00008.
gnomAD v4.1: 45 of 1,613,976 alleles (0.0028%); highest among the groups gnomAD compares: East Asian, 0.013%; no homozygotes.

Submissions (3):

Labcorp Genetics (formerly Invitae), Labcorp
Classification: Likely benign for Multiple congenital exostosis. Last evaluated: 2025-11-11. Review status: criteria provided, single submitter. Criteria: Invitae Variant Classification Sherloc (09022015). Collection method: clinical testing. Allele origin: germline.

Baylor Genetics
Classification: Uncertain significance for Chondrosarcoma. Last evaluated: 2023-10-12. Review status: criteria provided, single submitter. Criteria: ACMG Guidelines, 2015. Collection method: clinical testing. Allele origin: unknown.

ITMI
No classification provided. Condition: AllHighlyPenetrant. Last evaluated: 2013-09-19. Review status: no classification provided. Collection method: reference population. Allele origin: germline. Not counted in ClinVar's aggregate classification.
Comment: Please see associated publication for description of ethnicities

Literature cited by the submitters: PubMed 24728327 (cited by ITMI).